The following is an entry in ClinVar:

NM_024408.4(NOTCH2):c.1500C>G (p.Ser500Arg)

Gene: NOTCH2 (notch receptor 2; minus strand). Cytogenetic location: 1p12.
Variant type: single nucleotide variant.
Coding change: c.1500C>G on transcript NM_024408.4 (MANE Select); coding-DNA position 1500, C replaced by G.
Protein change: p.Ser500Arg; replaces serine 500 with arginine.
Molecular consequence: missense variant.
Genome position (GRCh38, 1-based): chr1:119,966,443, G>C on the plus strand (C>G on the coding strand, the complement: NOTCH2 is on the minus strand). VCF-style: chr1-119966443-G-C. GRCh37 (hg19) VCF-style: chr1-120509066-G-C.
Other names: c.1500C>G, p.Ser500Arg (NM_001200001.2); short protein forms S500R.
Identifiers: ClinVar variation 2819456 (VCV002819456.3), dbSNP rs2526300212, ClinGen allele CA341876603.

ClinVar aggregate classification (germline): Uncertain significance (1 of 4 stars; one submission).

Conditions:
Hajdu-Cheney syndrome (HJCYS). Also called: ACROOSTEOLYSIS WITH OSTEOPOROSIS AND CHANGES IN SKULL AND MANDIBLE; Acroosteolysis dominant type; SERPENTINE FIBULA-POLYCYSTIC KIDNEY SYNDROME. Identifiers: Orphanet 955, MedGen C0917715, MONDO:0007057, OMIM 102500.

Submission:

Labcorp Genetics (formerly Invitae), Labcorp
Classification: Uncertain significance for Hajdu-Cheney syndrome. Last evaluated: 2022-12-17. Review status: criteria provided, single submitter. Criteria: Invitae Variant Classification Sherloc (09022015). Collection method: clinical testing. Allele origin: germline.
Comment: This variant is not present in population databases (gnomAD no frequency). In summary, the available evidence is currently insufficient to determine the role of this variant in disease. Therefore, it has been classified as a Variant of Uncertain Significance. Advanced modeling of protein sequence and biophysical properties (such as structural, functional, and spatial information, amino acid conservation, physicochemical variation, residue mobility, and thermodynamic stability) performed at Invitae indicates that this missense variant is expected to disrupt NOTCH2 protein function. This variant has not been reported in the literature in individuals affected with NOTCH2-related conditions. This sequence change replaces serine, which is neutral and polar, with arginine, which is basic and polar, at codon 500 of the NOTCH2 protein (p.Ser500Arg).